The following is an entry in ClinVar:

NM_018975.4(TERF2IP):c.545A>T (p.Asp182Val)

Gene: TERF2IP (TERF2 interacting protein; plus strand). Cytogenetic location: 16q23.1.
Variant type: single nucleotide variant.
Coding change: c.545A>T on transcript NM_018975.4 (MANE Select); coding-DNA position 545, A replaced by T.
Protein change: p.Asp182Val; replaces aspartic acid 182 with valine.
Molecular consequence: missense variant. On other transcripts: non-coding transcript variant (1).
Genome position (GRCh38, 1-based): chr16:75,648,427, A>T. VCF-style: chr16-75648427-A-T. GRCh37 (hg19) VCF-style: chr16-75682325-A-T.
Other names: short protein forms D182V.
Identifiers: ClinVar variation 3325455 (VCV003325455.1).
Genomic context (GRCh38, chr16:75,648,427, plus strand): 5'-CCTTGTGGAAAGCGATGGAGAAGAGCTCGCTCACGCAGCACTCGTGGCAGTCCCTGAAGG[A>T]CCGCTACCTCAAGCACCTGCGGGGCCAGGAGCATAAGTACCTGCTGGGGGACGCGCCGGT-3'
Protein context (NP_061848.2, residues 172-192): LTQHSWQSLK[Asp182Val]RYLKHLRGQE

ClinVar aggregate classification (germline): Uncertain significance (1 of 4 stars; one submission).

Submission:

Ambry Genetics
Classification: Uncertain significance. Last evaluated: 2024-04-28. Review status: criteria provided, single submitter. Criteria: Ambry Variant Classification Scheme 2023. Collection method: clinical testing. Allele origin: germline.
Comment: The p.D182V variant (also known as c.545A>T), located in coding exon 1 of the TERF2IP gene, results from an A to T substitution at nucleotide position 545. The aspartic acid at codon 182 is replaced by valine, an amino acid with highly dissimilar properties. This amino acid position is conserved. In addition, the in silico prediction for this alteration is inconclusive. Based on the available evidence, the clinical significance of this variant remains unclear.